The following is an entry in ClinVar:

NM_000722.4(CACNA2D1):c.2324C>A (p.Ala775Asp)

Gene: CACNA2D1 (calcium voltage-gated channel auxiliary subunit alpha2delta 1; minus strand). Cytogenetic location: 7q21.11.
Variant type: single nucleotide variant.
Coding change: c.2324C>A on transcript NM_000722.4 (MANE Select); coding-DNA position 2324, C replaced by A.
Protein change: p.Ala775Asp; replaces alanine 775 with aspartic acid.
Molecular consequence: missense variant.
Genome position (GRCh38, 1-based): chr7:81,968,958, G>T on the plus strand (C>A on the coding strand, the complement: CACNA2D1 is on the minus strand). VCF-style: chr7-81968958-G-T. GRCh37 (hg19) VCF-style: chr7-81598274-G-T.
Other names: c.2360C>A, p.Ala787Asp (NM_001366867.1); short protein forms A787D, A775D.
Identifiers: ClinVar variation 1399290 (VCV001399290.10), dbSNP rs768768419, ClinGen allele CA4317648.

ClinVar aggregate classification (germline): Conflicting classifications of pathogenicity. Review status: criteria provided, conflicting classifications (1 of 4 stars). 2 submissions from 2 submitters: Uncertain significance (1); Benign (1). Last evaluated 2024-07-30.

Conditions:
Cardiovascular phenotype. Identifiers: MedGen CN230736.
Brugada syndrome. Also called: Sudden unexplained nocturnal death syndrome; Sudden unexpected nocturnal death syndrome; Sudden Unexplained Death Syndrome; Sudden Unexplained Nocturnal Death Syndrome (SUNDS). Identifiers: Orphanet 130, MedGen C1142166, MONDO:0015263.

Allele frequency attached by ClinVar (database versions not stated): gnomAD exomes 0.00001 and 0.00004; ExAC 0.00003.
gnomAD v4.1: 12 of 1,579,664 alleles (0.00076%); highest among the groups gnomAD compares: Admixed American, 0.018%; no homozygotes.

Submissions (2):

Labcorp Genetics (formerly Invitae), Labcorp
Classification: Uncertain significance for Brugada syndrome. Last evaluated: 2024-07-30. Review status: criteria provided, single submitter. Criteria: Invitae Variant Classification Sherloc (09022015). Collection method: clinical testing. Allele origin: germline.
Comment: This sequence change replaces alanine, which is neutral and non-polar, with aspartic acid, which is acidic and polar, at codon 775 of the CACNA2D1 protein (p.Ala775Asp). This variant is present in population databases (rs768768419, gnomAD 0.02%). This variant has not been reported in the literature in individuals affected with CACNA2D1-related conditions. ClinVar contains an entry for this variant (Variation ID: 1399290). An algorithm developed to predict the effect of missense changes on protein structure and function (PolyPhen-2) suggests that this variant is likely to be tolerated. In summary, the available evidence is currently insufficient to determine the role of this variant in disease. Therefore, it has been classified as a Variant of Uncertain Significance.

Ambry Genetics
Classification: Benign for Cardiovascular phenotype. Last evaluated: 2023-12-14. Review status: criteria provided, single submitter. Criteria: Ambry Variant Classification Scheme 2023. Collection method: clinical testing. Allele origin: germline.